The following is an entry in ClinVar:

ClinVar aggregate classification (germline): Uncertain significance. Review status: criteria provided, multiple submitters, no conflicts (2 of 4 stars). 2 submissions from 2 submitters: Uncertain significance (2). Last evaluated 2024-07-31.

Allele frequency attached by ClinVar (database versions not stated): gnomAD exomes 0.00006 and 0.00022; gnomAD 0.00007; ExAC 0.00008; TOPMed 0.00012; ESP Exome Variant Server 0.00023.
gnomAD v4.1: 324 of 1,612,600 alleles (0.02%); highest among the groups gnomAD compares: Non-Finnish European, 0.026%; no homozygotes.

Submissions (2):

Blueprint Genetics
Classification: Uncertain significance. Last evaluated: 2024-07-31. Review status: criteria provided, single submitter. Criteria: ACMG Guidelines, 2015. Collection method: clinical testing. Allele origin: germline.

Labcorp Genetics (formerly Invitae), Labcorp
Classification: Uncertain significance. Last evaluated: 2022-08-29. Review status: criteria provided, single submitter. Criteria: Invitae Variant Classification Sherloc (09022015). Collection method: clinical testing. Allele origin: germline.
Comment: This sequence change replaces alanine, which is neutral and non-polar, with valine, which is neutral and non-polar, at codon 1075 of the ARHGEF18 protein (p.Ala1075Val). This variant is present in population databases (rs147776697, gnomAD 0.01%). This variant has not been reported in the literature in individuals affected with ARHGEF18-related conditions. ClinVar contains an entry for this variant (Variation ID: 957333). Algorithms developed to predict the effect of missense changes on protein structure and function output the following: SIFT: "Tolerated"; PolyPhen-2: "Benign"; Align-GVGD: "Class C0". The valine amino acid residue is found in multiple mammalian species, which suggests that this missense change does not adversely affect protein function. In summary, the available evidence is currently insufficient to determine the role of this variant in disease. Therefore, it has been classified as a Variant of Uncertain Significance.

NM_001367823.1(ARHGEF18):c.3788C>T (p.Ala1263Val)

Gene: ARHGEF18 (Rho/Rac guanine nucleotide exchange factor 18; plus strand). Cytogenetic location: 19p13.2.
Variant type: single nucleotide variant.
Coding change: c.3788C>T on transcript NM_001367823.1 (MANE Select); coding-DNA position 3788, C replaced by T.
Protein change: p.Ala1263Val; replaces alanine 1263 with valine.
Molecular consequence: missense variant.
Genome position (GRCh38, 1-based): chr19:7,469,904, C>T. VCF-style: chr19-7469904-C-T. GRCh37 (hg19) VCF-style: chr19-7534790-C-T.
Other names: c.3062C>T, p.Ala1021Val (NM_001130955.2); c.2750C>T, p.Ala917Val (NM_001367824.1, NM_015318.4); short protein forms A917V, A1021V, A1263V.
Identifiers: ClinVar variation 957333 (VCV000957333.6), dbSNP rs147776697, ClinGen allele CA9137257.